The following is an entry in ClinVar:

ClinVar aggregate classification (germline): Uncertain significance (1 of 4 stars; one submission).

Conditions:
Arrhythmogenic right ventricular dysplasia 11. Also called: Arrhythmogenic right ventricular dysplasia 11 with mild palmoplantar keratoderma and woolly hair; Arrhythmogenic Right Ventricular Dysplasia/Cardiomyopathy11; ARRHYTHMOGENIC RIGHT VENTRICULAR DYSPLASIA, FAMILIAL, 11. Identifiers: MedGen C1864850, MONDO:0012506, OMIM 610476.

Submission:

Labcorp Genetics (formerly Invitae), Labcorp
Classification: Uncertain significance for Arrhythmogenic right ventricular dysplasia 11. Last evaluated: 2021-04-28. Review status: criteria provided, single submitter. Criteria: Invitae Variant Classification Sherloc (09022015). Collection method: clinical testing. Allele origin: germline.
Comment: This sequence change replaces cysteine with phenylalanine at codon 197 of the DSC2 protein (p.Cys197Phe). The cysteine residue is moderately conserved and there is a large physicochemical difference between cysteine and phenylalanine. This variant is not present in population databases (ExAC no frequency). This variant has not been reported in the literature in individuals with DSC2-related conditions. Algorithms developed to predict the effect of missense changes on protein structure and function are either unavailable or do not agree on the potential impact of this missense change (SIFT: "Tolerated"; PolyPhen-2: "Possibly Damaging"; Align-GVGD: "Class C0"). In summary, the available evidence is currently insufficient to determine the role of this variant in disease. Therefore, it has been classified as a Variant of Uncertain Significance.

NM_024422.6(DSC2):c.590G>T (p.Cys197Phe)

Gene: DSC2 (desmocollin 2; minus strand). Cytogenetic location: 18q12.1.
Variant type: single nucleotide variant.
Coding change: c.590G>T on transcript NM_024422.6 (MANE Select); coding-DNA position 590, G replaced by T.
Protein change: p.Cys197Phe; replaces cysteine 197 with phenylalanine.
Molecular consequence: missense variant.
Genome position (GRCh38, 1-based): chr18:31,089,479, C>A on the plus strand (G>T on the coding strand, the complement: DSC2 is on the minus strand). VCF-style: chr18-31089479-C-A. GRCh37 (hg19) VCF-style: chr18-28669442-C-A.
Other names: c.590G>T, p.Cys197Phe (NM_004949.5); short protein forms C197F.
Identifiers: ClinVar variation 1391515 (VCV001391515.8), dbSNP rs2144838763, ClinGen allele CA402113479.